The following is an entry in ClinVar:

NM_000088.4(COL1A1):c.-98G>A

Gene: COL1A1 (collagen type I alpha 1 chain; minus strand). Cytogenetic location: 17q21.33.
Variant type: single nucleotide variant.
Coding change: c.-98G>A on transcript NM_000088.4 (MANE Select); 98 bases upstream of the start codon, G replaced by A.
Molecular consequence: 5 prime UTR variant.
Genome position (GRCh38, 1-based): chr17:50,201,611, C>T on the plus strand (G>A on the coding strand, the complement: COL1A1 is on the minus strand). VCF-style: chr17-50201611-C-T. GRCh37 (hg19) VCF-style: chr17-48278972-C-T.
Identifiers: ClinVar variation 891017 (VCV000891017.6), dbSNP rs574683904, ClinGen allele CA291552627.

ClinVar aggregate classification (germline): Conflicting classifications of pathogenicity. Review status: criteria provided, conflicting classifications (1 of 4 stars). 4 submissions from 2 submitters: Uncertain significance (1); Benign (2); Likely benign (1). Last evaluated 2020-07-07.

Conditions:
Ehlers-Danlos syndrome, arthrochalasia type. Also called: ARTHROCHALASIS MULTIPLEX CONGENITA; EDS VII, MUTANT PROCOLLAGEN TYPE; EDS VIIA; Ehlers-Danlos syndrome, arthrochalasia type, 1; Ehlers-Danlos syndrome, arthrochalasis type. Identifiers: Orphanet 1899, Orphanet 99875, Orphanet 99876, MedGen C4551623, MONDO:0007525, OMIM 130060.
Infantile cortical hyperostosis. Also called: Caffey Disease; Hyperostosis, Cortical, Congenital; P1PK BLOOD GROUP SYSTEM, P(2) PHENOTYPE. Identifiers: Orphanet 1310, MedGen C0020497, MONDO:0007244, OMIM 114000.
Osteogenesis imperfecta (OI). Identifiers: Orphanet 666, MedGen C0029434, MeSH D010013, MONDO:0019019.

Allele frequency attached by ClinVar (database versions not stated): 1000 Genomes Project 30x 0.00047; 1000 Genomes Project 0.00060.
gnomAD v4.1: 57 of 1,040,966 alleles (0.0055%); highest among the groups gnomAD compares: East Asian, 0.13%; no homozygotes.

Submissions (4):

Revvity Omics, Revvity
Classification: Uncertain significance. Last evaluated: 2020-07-07. Review status: criteria provided, single submitter. Criteria: ACMG Guidelines, 2015. Collection method: clinical testing. Allele origin: germline.

Illumina Laboratory Services, Illumina
Classification: Likely benign for Infantile cortical hyperostosis. Last evaluated: 2018-01-13. Review status: criteria provided, single submitter. Criteria: ICSL Variant Classification Criteria 13 December 2019. Collection method: clinical testing. Allele origin: germline.
Comment: This variant was observed in the ICSL laboratory as part of a predisposition screen in an ostensibly healthy population. It had not been previously curated by ICSL or reported in the Human Gene Mutation Database (HGMD: prior to June 1st, 2018), and was therefore a candidate for classification through an automated scoring system. Utilizing variant allele frequency, disease prevalence and penetrance estimates, and inheritance mode, an automated score was calculated to assess if this variant is too frequent to cause the disease. Based on the score and internal cut-off values, a variant classified as likely benign is not then subjected to further curation. The score for this variant resulted in a classification of likely benign for this disease.

Illumina Laboratory Services, Illumina
Classification: Benign for Osteogenesis imperfecta. Last evaluated: 2018-01-13. Review status: criteria provided, single submitter. Criteria: ICSL Variant Classification Criteria 13 December 2019. Collection method: clinical testing. Allele origin: germline.
Comment: This variant was observed in the ICSL laboratory as part of a predisposition screen in an ostensibly healthy population. It had not been previously curated by ICSL or reported in the Human Gene Mutation Database (HGMD: prior to June 1st, 2018), and was therefore a candidate for classification through an automated scoring system. Utilizing variant allele frequency, disease prevalence and penetrance estimates, and inheritance mode, an automated score was calculated to assess if this variant is too frequent to cause the disease. Based on the score and internal cut-off values, a variant classified as benign is not then subjected to further curation. The score for this variant resulted in a classification of benign for this disease.

Illumina Laboratory Services, Illumina
Classification: Benign for Ehlers-Danlos syndrome, arthrochalasia type. Last evaluated: 2018-01-13. Review status: criteria provided, single submitter. Criteria: ICSL Variant Classification Criteria 13 December 2019. Collection method: clinical testing. Allele origin: germline.
Comment: the same text as in the submission from Illumina Laboratory Services, Illumina above.